The following is an entry in ClinVar:

ClinVar aggregate classification (germline): Uncertain significance. Review status: criteria provided, multiple submitters, no conflicts (2 of 4 stars). 4 submissions from 4 submitters: Uncertain significance (4). Last evaluated 2025-12-23.

Conditions:
Catecholaminergic polymorphic ventricular tachycardia (CVPT). Also called: Catecholamine-induced polymorphic ventricular tachycardia. Identifiers: Orphanet 3286, MedGen C5574922, MONDO:0017990.
Catecholaminergic polymorphic ventricular tachycardia 1. Also called: RYR2-Related Catecholaminergic Polymorphic Ventricular Tachycardia; VENTRICULAR TACHYCARDIA, STRESS-INDUCED POLYMORPHIC 1; VENTRICULAR TACHYCARDIA, CATECHOLAMINERGIC POLYMORPHIC, 1, WITH OR WITHOUT ATRIAL DYSFUNCTION AND/OR DILATED CARDIOMYOPATHY. Identifiers: Orphanet 3286, MedGen C1631597, MONDO:0011484, OMIM 604772.
Cardiomyopathy (CMYO). Also called: Cardiomyopathies. Identifiers: Orphanet 167848, MedGen C0878544, MONDO:0004994, HP:0001638. Inheritance: Various modes of inheritance.

Allele frequency attached by ClinVar (database versions not stated): ExAC 0.00001; gnomAD 0.00001; gnomAD exomes 0.00001.
gnomAD v4.1: 13 of 1,605,850 alleles (0.00081%); highest among the groups gnomAD compares: Non-Finnish European, 0.0011%; no homozygotes.

Submissions (4):

Labcorp Genetics (formerly Invitae), Labcorp
Classification: Uncertain significance for Catecholaminergic polymorphic ventricular tachycardia 1. Last evaluated: 2025-12-23. Review status: criteria provided, single submitter. Criteria: Invitae Variant Classification Sherloc (09022015). Collection method: clinical testing. Allele origin: germline.
Comment: This sequence change replaces aspartic acid, which is acidic and polar, with glutamic acid, which is acidic and polar, at codon 503 of the RYR2 protein (p.Asp503Glu). The frequency data for this variant in the population databases is considered unreliable, as metrics indicate poor data quality at this position in the gnomAD database. This missense change has been observed in individual(s) with RYR2-related conditions (PMID: 30670673, 32660257). ClinVar contains an entry for this variant (Variation ID: 191479). Invitae Evidence Modeling of protein sequence and biophysical properties (such as structural, functional, and spatial information, amino acid conservation, physicochemical variation, residue mobility, and thermodynamic stability) indicates that this missense variant is expected to disrupt RYR2 protein function with a positive predictive value of 95%. In summary, the available evidence is currently insufficient to determine the role of this variant in disease. Therefore, it has been classified as a Variant of Uncertain Significance.

Color Diagnostics, LLC DBA Color Health
Classification: Uncertain significance for Cardiomyopathy. Last evaluated: 2025-06-12. Review status: criteria provided, single submitter. Criteria: ACMG Guidelines, 2015. Collection method: clinical testing. Allele origin: germline.
Comment: This missense variant replaces aspartic acid with glutamic acid at codon 503 of the RYR2 protein. Computational prediction suggests that this variant may have a deleterious impact on protein structure and function. To our knowledge, functional studies have not been reported for this variant. This variant has been reported in an individual affected with sudden arrhythmia death syndrome (PMID: 30670673). This variant has also been reported in an individual affected with arrhythmogenic right ventricular cardiomyopathy and in an affected family member (PMID: 32660257). This variant has not been identified in the general population by the Genome Aggregation Database (gnomAD). The available evidence is insufficient to determine the role of this variant in disease conclusively. Therefore, this variant is classified as a Variant of Uncertain Significance.

All of Us Research Program, National Institutes of Health
Classification: Uncertain significance for Catecholaminergic polymorphic ventricular tachycardia. Last evaluated: 2023-06-15. Review status: criteria provided, single submitter. Criteria: ACMG Guidelines, 2015. Collection method: clinical testing. Allele origin: germline. Inheritance: Autosomal dominant inheritance. Observed: 4 variant alleles, 4 heterozygotes.
Comment: This missense variant replaces aspartic acid with glutamic acid at codon 503 of the RYR2 protein. Computational prediction suggests that this variant may have deleterious impact on protein structure and function (internally defined REVEL score threshold >= 0.7, PMID: 27666373). To our knowledge, functional studies have not been reported for this variant. This variant has been reported in an individual affected with sudden arrhythmia death syndrome (PMID: 30670673). This variant has also been reported in an individual affected with arrhythmogenic right ventricular cardiomyopathy and in an affected family member (PMID: 32660257). This variant has not been identified in the general population by the Genome Aggregation Database (gnomAD). The available evidence is insufficient to determine the role of this variant in disease conclusively. Therefore, this variant is classified as a Variant of Uncertain Significance.

This study involves interpretation of variants in research participants for the purpose of population health screening. Participant phenotype was not available at the time of variant classification. Additional details can be found in publication PMID: 35346344, PMCID: PMC8962531

Biesecker Lab/Clinical Genomics Section, National Institutes of Health
Classification: Uncertain significance. Last evaluated: 2013-06-24. Review status: criteria provided, single submitter. Criteria: Ng et al. (Circ Cardiovasc Genet. 2013). Collection method: research. Allele origin: unknown. Observed: 1 variant allele. Study: ClinSeq.
Comment: The study set was not selected for affection status in relation to any cancer. Pathogenicity categories were based on literature curation. See Pubmed ID:23861362 for details.

Medical sequencing

Literature cited by the submitters: PubMed 30670673 (cited by 3 submitters); PubMed 32660257 (cited by 3 submitters).

NM_001035.3(RYR2):c.1509C>A (p.Asp503Glu)

Gene: RYR2 (ryanodine receptor 2; plus strand). Cytogenetic location: 1q43.
Variant type: single nucleotide variant.
Coding change: c.1509C>A on transcript NM_001035.3 (MANE Select); coding-DNA position 1509, C replaced by A.
Protein change: p.Asp503Glu; replaces aspartic acid 503 with glutamic acid.
Molecular consequence: missense variant.
Genome position (GRCh38, 1-based): chr1:237,456,632, C>A. VCF-style: chr1-237456632-C-A. GRCh37 (hg19) VCF-style: chr1-237619932-C-A.
Other names: c.1509C>A, p.Asp503Glu (LRG_402t1); short protein forms D503E.
Identifiers: ClinVar variation 191479 (VCV000191479.18), dbSNP rs764532025, ClinGen allele CA008474.